The following is an entry in ClinVar:

NM_024611.6(ICE2):c.1515T>C (p.Asp505=)

Gene: ICE2 (interactor of little elongation complex ELL subunit 2; minus strand). Cytogenetic location: 15q22.2.
Variant type: single nucleotide variant.
Coding change: c.1515T>C on transcript NM_024611.6 (MANE Select); coding-DNA position 1515, T replaced by C.
Protein change: p.Asp505=; no amino-acid change (aspartic acid 505 retained).
Molecular consequence: synonymous variant. On other transcripts: non-coding transcript variant (1).
Genome position (GRCh38, 1-based): chr15:60,449,452, A>G on the plus strand (T>C on the coding strand, the complement: ICE2 is on the minus strand). VCF-style: chr15-60449452-A-G. GRCh37 (hg19) VCF-style: chr15-60741651-A-G.
Other names: c.1104T>C, p.Asp368= (NM_001018089.3).
Identifiers: ClinVar variation 3044137 (VCV003044137.2), dbSNP rs2063906754, ClinGen allele CA490884983.

ClinVar aggregate classification (germline): Likely benign (0 of 4 stars; one submission).

Conditions:
ICE2-related disorder. Also called: ICE2-related condition.

Allele frequency attached by ClinVar (database versions not stated): gnomAD exomes below 0.00001.
gnomAD v4.1: 1 of 1,614,096 alleles (0.000062%); highest among the groups gnomAD compares: Middle Eastern, 0.017%; no homozygotes.

Submission:

PreventionGenetics, part of Exact Sciences
Classification: Likely benign for ICE2-related condition. Last evaluated: 2019-06-06. Review status: no assertion criteria provided. Collection method: clinical testing. Allele origin: germline.
Comment: This variant is classified as likely benign based on ACMG/AMP sequence variant interpretation guidelines (Richards et al. 2015 PMID: 25741868, with internal and published modifications).